The following is an entry in ClinVar:

NM_006231.4(POLE):c.1350G>A (p.Glu450=)

Gene: POLE (DNA polymerase epsilon, catalytic subunit; minus strand). Cytogenetic location: 12q24.33.
Variant type: single nucleotide variant.
Coding change: c.1350G>A on transcript NM_006231.4 (MANE Select); coding-DNA position 1350, G replaced by A.
Protein change: p.Glu450=; no amino-acid change (glutamic acid 450 retained).
Molecular consequence: synonymous variant.
Genome position (GRCh38, 1-based): chr12:132,673,584, C>T on the plus strand (G>A on the coding strand, the complement: POLE is on the minus strand). VCF-style: chr12-132673584-C-T. GRCh37 (hg19) VCF-style: chr12-133250170-C-T.
Identifiers: ClinVar variation 473452 (VCV000473452.9), dbSNP rs1555228575, ClinGen allele CA482722766.

ClinVar aggregate classification (germline): Benign/Likely benign. Review status: criteria provided, multiple submitters, no conflicts (2 of 4 stars). 2 submissions from 2 submitters: Benign (1); Likely benign (1). Last evaluated 2025-03-06.

Conditions:
Colorectal cancer, susceptibility to, 12 (CRCS12). Also called: COLORECTAL CANCER, SUSCEPTIBILITY TO, ON CHROMOSOME 12q24. Identifiers: Orphanet 220460, MedGen C3554460, MONDO:0014038, OMIM 615083.

Allele frequency attached by ClinVar (database versions not stated): gnomAD exomes below 0.00001.
gnomAD v4.1: 1 of 1,612,454 alleles (0.000062%); highest among the groups gnomAD compares: Non-Finnish European, 0.000085%; no homozygotes.

Submissions (2):

Labcorp Genetics (formerly Invitae), Labcorp
Classification: Likely benign. Last evaluated: 2025-03-06. Review status: criteria provided, single submitter. Criteria: Invitae Variant Classification Sherloc (09022015). Collection method: clinical testing. Allele origin: germline.

Myriad Genetics, Inc.
Classification: Benign for Colorectal cancer, susceptibility to, 12. Last evaluated: 2025-02-11. Review status: criteria provided, single submitter. Criteria: Myriad Autosomal Dominant, Autosomal Recessive and X-Linked Classification Criteria (2023). Collection method: clinical testing. Allele origin: unknown.
Comment: This variant is considered benign. This variant is a silent/synonymous amino acid change and it is not expected to impact splicing.